The following is an entry in ClinVar:

NM_014363.6(SACS):c.8254A>G (p.Ile2752Val)

Gene: SACS (sacsin molecular chaperone; minus strand). Cytogenetic location: 13q12.12.
Variant type: single nucleotide variant.
Coding change: c.8254A>G on transcript NM_014363.6 (MANE Select); coding-DNA position 8254, A replaced by G.
Protein change: p.Ile2752Val; replaces isoleucine 2752 with valine.
Molecular consequence: missense variant.
Genome position (GRCh38, 1-based): chr13:23,335,622, T>C on the plus strand (A>G on the coding strand, the complement: SACS is on the minus strand). VCF-style: chr13-23335622-T-C. GRCh37 (hg19) VCF-style: chr13-23909761-T-C.
Other names: c.7813A>G, p.Ile2605Val (NM_001278055.2); short protein forms I2605V, I2752V.
Identifiers: ClinVar variation 2143101 (VCV002143101.5), dbSNP rs375814343, ClinGen allele CA6910800.

ClinVar aggregate classification (germline): Conflicting classifications of pathogenicity. Review status: criteria provided, conflicting classifications (1 of 4 stars). 2 submissions from 2 submitters: Uncertain significance (1); Benign (1). Last evaluated 2026-04-09.

Conditions:
Spastic paraplegia. Identifiers: MedGen C0037772, HP:0001258.

Allele frequency attached by ClinVar (database versions not stated): gnomAD 0.00001; TOPMed 0.00001; ExAC 0.00002; ESP Exome Variant Server 0.00008.
gnomAD v4.1: 28 of 1,613,834 alleles (0.0017%); highest among the groups gnomAD compares: African/African-American, 0.0053%; no homozygotes.

Submissions (2):

Women's Health and Genetics/Laboratory Corporation of America, LabCorp
Classification: Uncertain significance. Last evaluated: 2026-04-09. Review status: criteria provided, single submitter. Criteria: LabCorp Variant Classification Summary - May 2015. Collection method: clinical testing. Allele origin: germline.
Comment: Variant summary: SACS c.8254A>G (p.Ile2752Val) results in a conservative amino acid change in the encoded protein sequence. Algorithms developed to predict the effect of missense changes on protein structure and function are either unavailable or do not agree on the potential impact of this missense change. The variant allele was found at a frequency of 1.6e-05 in 250832 control chromosomes. The available data on variant occurrences in the general population are insufficient to allow any conclusion about variant significance. To our knowledge, no occurrence of c.8254A>G in individuals affected with SACS-related conditions and no experimental evidence demonstrating its impact on protein function have been reported. ClinVar contains an entry for this variant (Variation ID: 2143101). Based on the evidence outlined above, the variant was classified as uncertain significance.

Labcorp Genetics (formerly Invitae), Labcorp
Classification: Benign for Spastic paraplegia. Last evaluated: 2023-10-22. Review status: criteria provided, single submitter. Criteria: Invitae Variant Classification Sherloc (09022015). Collection method: clinical testing. Allele origin: germline.